The following is an entry in ClinVar:

NM_001127222.2(CACNA1A):c.2173-12C>T

Gene: CACNA1A (calcium voltage-gated channel subunit alpha1 A; minus strand). Cytogenetic location: 19p13.13.
Variant type: single nucleotide variant.
Coding change: c.2173-12C>T on transcript NM_001127222.2 (MANE Select); 12 bases into the intron before coding-DNA position 2173, C replaced by T.
Molecular consequence: intron variant.
Genome position (GRCh38, 1-based): chr19:13,300,668, G>A on the plus strand (C>T on the coding strand, the complement: CACNA1A is on the minus strand). VCF-style: chr19-13300668-G-A. GRCh37 (hg19) VCF-style: chr19-13411482-G-A.
Other names: c.2176-12C>T (NM_001127221.2, NM_001174080.2); c.2185-12C>T (NM_000068.4, NM_023035.3).
Identifiers: ClinVar variation 257510 (VCV000257510.22), dbSNP rs16018, ClinGen allele CA9240613.

ClinVar aggregate classification (germline): Benign. Review status: criteria provided, multiple submitters, no conflicts (2 of 4 stars). 14 submissions from 11 submitters: Benign (10). 4 of the submissions do not count toward it. Last evaluated 2026-02-04.

Conditions:
Episodic ataxia type 2 (EA2). Also called: EPISODIC ATAXIA, NYSTAGMUS-ASSOCIATED; ACETAZOLAMIDE-RESPONSIVE HEREDITARY PAROXYSMAL CEREBELLAR ATAXIA; ATAXIA, EPISODIC, WITH NYSTAGMUS; ATAXIA, FAMILIAL PAROXYSMAL; CEREBELLAR ATAXIA, PAROXYSMAL, ACETAZOLAMIDE-RESPONSIVE; CEREBELLOPATHY, HEREDITARY PAROXYSMAL. Identifiers: Orphanet 97, MedGen C1720416, MONDO:0007163, OMIM 108500.
Developmental and epileptic encephalopathy, 42 (DEE42A). Also called: Epileptic encephalopathy, early infantile, 42; DEVELOPMENTAL AND EPILEPTIC ENCEPHALOPATHY 42A; EPILEPTIC ENCEPHALOPATHY, EARLY INFANTILE, 42A. Identifiers: MedGen C4310716, MONDO:0014917, OMIM 617106.
Spinocerebellar ataxia type 6 (SCA6). Identifiers: Orphanet 98758, MedGen C0752124, MONDO:0008457, OMIM 183086.
Migraine, familial hemiplegic, 1. Also called: MIGRAINE, FAMILIAL HEMIPLEGIC 1, WITH PROGRESSIVE CEREBELLAR ATAXIA. Identifiers: Orphanet 569, MedGen C1832884, MONDO:0020756, OMIM 141500, MONDO:0007714.

Allele frequency attached by ClinVar (database versions not stated): 1000 Genomes Project 30x 0.73235; 1000 Genomes Project 0.73922; ExAC 0.74909; gnomAD exomes 0.75499 and 0.71883; ESP Exome Variant Server 0.64523; gnomAD 0.66161 and 0.67341; TOPMed 0.66219.
gnomAD v4.1: 1,149,059 of 1,608,152 alleles (71%); highest among the groups gnomAD compares: East Asian, 99%; 416,334 homozygotes.

Submissions (14):

Labcorp Genetics (formerly Invitae), Labcorp
Classification: Benign for Developmental and epileptic encephalopathy, 42; Episodic ataxia type 2. Last evaluated: 2026-02-04. Review status: criteria provided, single submitter. Criteria: Invitae Variant Classification Sherloc (09022015). Collection method: clinical testing. Allele origin: germline.

Blueprint Genetics
Classification: Benign. Last evaluated: 2024-11-28. Review status: criteria provided, single submitter. Criteria: ACMG Guidelines, 2015. Collection method: clinical testing. Allele origin: germline.

Unidad de Genómica Garrahan, Hospital de Pediatría Garrahan
Classification: Benign. Last evaluated: 2024-07-15. Review status: criteria provided, single submitter. Criteria: ACMG Guidelines, 2015. Collection method: clinical testing. Allele origin: germline. Affected: no. Observed: 91 variant alleles.
Comment: This variant is classified as Benign based on local population frequency. This variant was detected in 98% of patients studied in a panel designed for Epileptic and Developmental Encephalopathy and Progressive Myoclonus Epilepsy. Number of patients: 91. Only high quality variants are reported.

Genome-Nilou Lab
Classification: Benign for Developmental and epileptic encephalopathy, 42. Last evaluated: 2021-07-14. Review status: criteria provided, single submitter. Criteria: ACMG Guidelines, 2015. Collection method: clinical testing. Allele origin: germline. Affected: no.

Genome-Nilou Lab
Classification: Benign for Episodic ataxia type 2. Last evaluated: 2021-07-14. Review status: criteria provided, single submitter. Criteria: ACMG Guidelines, 2015. Collection method: clinical testing. Allele origin: germline. Affected: no.

Genome-Nilou Lab
Classification: Benign for Migraine, familial hemiplegic, 1. Last evaluated: 2021-07-14. Review status: criteria provided, single submitter. Criteria: ACMG Guidelines, 2015. Collection method: clinical testing. Allele origin: germline. Affected: no.

Genome-Nilou Lab
Classification: Benign for Spinocerebellar ataxia type 6. Last evaluated: 2021-07-14. Review status: criteria provided, single submitter. Criteria: ACMG Guidelines, 2015. Collection method: clinical testing. Allele origin: germline. Affected: no.

GeneDx
Classification: Benign. Last evaluated: 2016-01-07. Review status: criteria provided, single submitter. Criteria: GeneDx Variant Classification (06012015). Collection method: clinical testing. Allele origin: germline. Affected: yes.
Comment: This variant is considered likely benign or benign based on one or more of the following criteria: it is a conservative change, it occurs at a poorly conserved position in the protein, it is predicted to be benign by multiple in silico algorithms, and/or has population frequency not consistent with disease.

Breakthrough Genomics
Classification: Benign. Review status: criteria provided, single submitter. Criteria: ACMG Guidelines, 2015. Collection method: not provided. Allele origin: germline. Inheritance: Autosomal dominant inheritance. Affected: yes.

PreventionGenetics, part of Exact Sciences
Classification: Benign. Review status: criteria provided, single submitter. Criteria: ACMG Guidelines, 2015. Collection method: clinical testing. Allele origin: germline.

Clinical Genetics DNA and cytogenetics Diagnostics Lab, Erasmus MC, Erasmus Medical Center
Classification: Benign. Review status: no assertion criteria provided. Collection method: clinical testing. Allele origin: germline. Affected: yes. Study: VKGL Data-share Consensus. Not counted in ClinVar's aggregate classification.

Diagnostic Laboratory, Department of Genetics, University Medical Center Groningen
Classification: Benign. Review status: no assertion criteria provided. Collection method: clinical testing. Allele origin: germline. Affected: yes. Study: VKGL Data-share Consensus. Not counted in ClinVar's aggregate classification.

Genome Diagnostics Laboratory, University Medical Center Utrecht
Classification: Benign. Review status: no assertion criteria provided. Collection method: clinical testing. Allele origin: germline. Affected: yes. Study: VKGL Data-share Consensus. Not counted in ClinVar's aggregate classification.

Joint Genome Diagnostic Labs from Nijmegen and Maastricht, Radboudumc and MUMC+
Classification: Benign. Review status: no assertion criteria provided. Collection method: clinical testing. Allele origin: germline. Affected: yes. Study: VKGL Data-share Consensus. Not counted in ClinVar's aggregate classification.